The following is an entry in ClinVar:

NM_016222.4(DDX41):c.244C>T (p.Gln82Ter)

Gene: DDX41 (DEAD-box helicase 41; minus strand). Cytogenetic location: 5q35.3.
Variant type: single nucleotide variant.
Coding change: c.244C>T on transcript NM_016222.4 (MANE Select); coding-DNA position 244, C replaced by T.
Protein change: p.Gln82Ter; replaces glutamine 82 with a stop codon.
Molecular consequence: nonsense. On other transcripts: 5 prime UTR variant (2).
Genome position (GRCh38, 1-based): chr5:177,516,342, G>A on the plus strand (C>T on the coding strand, the complement: DDX41 is on the minus strand). VCF-style: chr5-177516342-G-A. GRCh37 (hg19) VCF-style: chr5-176943343-G-A.
Other names: c.-135C>T (NM_001321732.2, NM_001321830.2); short protein forms Q82*.
Identifiers: ClinVar variation 4617145 (VCV004617145.2).

ClinVar aggregate classification (germline): Pathogenic. Review status: criteria provided, multiple submitters, no conflicts (2 of 4 stars). 2 submissions from 2 submitters: Pathogenic (2). Last evaluated 2025-11-17.

Conditions:
Inborn genetic diseases. Identifiers: MedGen C0950123, MeSH D030342.

Submissions (2):

Labcorp Genetics (formerly Invitae), Labcorp
Classification: Pathogenic. Last evaluated: 2025-11-17. Review status: criteria provided, single submitter. Criteria: Invitae Variant Classification Sherloc (09022015). Collection method: clinical testing. Allele origin: germline.
Comment: This sequence change creates a premature translational stop signal (p.Gln82*) in the DDX41 gene. It is expected to result in an absent or disrupted protein product. Loss-of-function variants in DDX41 are known to be pathogenic (PMID: 26712909, 27133828). This variant is not present in population databases (gnomAD no frequency). This variant has not been reported in the literature in individuals affected with DDX41-related conditions. For these reasons, this variant has been classified as Pathogenic.

Ambry Genetics
Classification: Pathogenic for Inborn genetic diseases. Last evaluated: 2025-10-08. Review status: criteria provided, single submitter. Criteria: Ambry Variant Classification Scheme 2023. Collection method: clinical testing. Allele origin: germline.
Comment: The p.Q82* pathogenic mutation (also known as c.244C>T), located in coding exon 3 of the DDX41 gene, results from a C to T substitution at nucleotide position 244. This changes the amino acid from a glutamine to a stop codon within coding exon 3. This variant is considered to be rare based on population cohorts in the Genome Aggregation Database (gnomAD). This alteration is expected to result in loss of function by premature protein truncation or nonsense-mediated mRNA decay. As such, this alteration is interpreted as a disease-causing mutation.

Literature cited by the submitters: PubMed 26712909 (cited by Labcorp Genetics (formerly Invitae), Labcorp); PubMed 27133828 (cited by Labcorp Genetics (formerly Invitae), Labcorp).